The following is an entry in ClinVar:

NM_000257.4(MYH7):c.3666C>T (p.Ser1222=)

Gene: MYH7 (myosin heavy chain 7; minus strand). Cytogenetic location: 14q11.2.
Variant type: single nucleotide variant.
Coding change: c.3666C>T on transcript NM_000257.4 (MANE Select); coding-DNA position 3666, C replaced by T.
Protein change: p.Ser1222=; no amino-acid change (serine 1222 retained).
Molecular consequence: synonymous variant.
Genome position (GRCh38, 1-based): chr14:23,419,905, G>A on the plus strand (C>T on the coding strand, the complement: MYH7 is on the minus strand). VCF-style: chr14-23419905-G-A. GRCh37 (hg19) VCF-style: chr14-23889114-G-A.
Identifiers: ClinVar variation 42969 (VCV000042969.17), dbSNP rs397516191, ClinGen allele CA013947.

ClinVar aggregate classification (germline): Conflicting classifications of pathogenicity. Review status: criteria provided, conflicting classifications (1 of 4 stars). 6 submissions from 6 submitters: Uncertain significance (1); Likely benign (5). Last evaluated 2025-03-27.

Conditions:
Cardiovascular phenotype. Identifiers: MedGen CN230736.
Cardiomyopathy (CMYO). Also called: Cardiomyopathies. Identifiers: Orphanet 167848, MedGen C0878544, MONDO:0004994, HP:0001638. Inheritance: Various modes of inheritance.
Hypertrophic cardiomyopathy. Also called: HYPERTROPHIC MYOCARDIOPATHY. Identifiers: Orphanet 217569, MedGen C0007194, MeSH D002312, MONDO:0005045, HP:0001639.

Allele frequency attached by ClinVar (database versions not stated): gnomAD exomes below 0.00001 and 0.00001; ExAC 0.00001; gnomAD 0.00003; TOPMed 0.00003.
gnomAD v4.1: 8 of 1,613,026 alleles (0.0005%); highest among the groups gnomAD compares: African/African-American, 0.0067%; no homozygotes.

Submissions (6):

Labcorp Genetics (formerly Invitae), Labcorp
Classification: Likely benign for Hypertrophic cardiomyopathy. Last evaluated: 2025-03-27. Review status: criteria provided, single submitter. Criteria: Invitae Variant Classification Sherloc (09022015). Collection method: clinical testing. Allele origin: germline.

Color Diagnostics, LLC DBA Color Health
Classification: Likely benign for Cardiomyopathy. Last evaluated: 2023-12-04. Review status: criteria provided, single submitter. Criteria: ACMG Guidelines, 2015. Collection method: clinical testing. Allele origin: germline.

All of Us Research Program, National Institutes of Health
Classification: Likely benign for Cardiomyopathy. Last evaluated: 2023-12-01. Review status: criteria provided, single submitter. Criteria: ACMG Guidelines, 2015. Collection method: clinical testing. Allele origin: germline. Inheritance: Autosomal dominant inheritance. Observed: 2 variant alleles, 2 heterozygotes.
Comment: This study involves interpretation of variants in research participants for the purpose of population health screening. Participant phenotype was not available at the time of variant classification. Additional details can be found in publication PMID: 35346344, PMCID: PMC8962531

Ambry Genetics
Classification: Uncertain significance for Cardiovascular phenotype. Last evaluated: 2020-12-01. Review status: criteria provided, single submitter. Criteria: Ambry Variant Classification Scheme 2023. Collection method: clinical testing. Allele origin: germline.
Comment: The c.3666C>T (p.S1222S) alteration is located in exon 27 (coding exon 25) of the MYH7 gene. This alteration consists of a C to T substitution at nucleotide position 3666. This nucleotide substitution does not change the amino acid at codon 1222. However, this change occurs in the last nucleotide of Exon 27 (c.3337_3726) which makes it likely to have some effect on normal mRNA splicing. Based on insufficient or conflicting evidence, the clinical significance of this alteration remains unclear.

Laboratory for Molecular Medicine, Mass General Brigham Personalized Medicine
Classification: Likely benign. Last evaluated: 2014-03-07. Review status: criteria provided, single submitter. Criteria: LMM Criteria. Collection method: clinical testing. Allele origin: germline. Observed: 1 variant allele.
Comment: proposed classification - variant undergoing re-assessment, contact laboratory

PreventionGenetics, part of Exact Sciences
Classification: Likely benign. Review status: criteria provided, single submitter. Criteria: ACMG Guidelines, 2015. Collection method: clinical testing. Allele origin: germline.

Literature cited by the submitters: PubMed 21183079 (cited by Laboratory for Molecular Medicine, Mass General Brigham Personalized Medicine).